The following is an entry in ClinVar:

NM_000548.5(TSC2):c.748A>G (p.Lys250Glu)

Gene: TSC2 (TSC complex subunit 2; plus strand). Cytogenetic location: 16p13.3.
Variant type: single nucleotide variant.
Coding change: c.748A>G on transcript NM_000548.5 (MANE Select); coding-DNA position 748, A replaced by G.
Protein change: p.Lys250Glu; replaces lysine 250 with glutamic acid.
Molecular consequence: missense variant.
Genome position (GRCh38, 1-based): chr16:2,056,743, A>G. VCF-style: chr16-2056743-A-G. GRCh37 (hg19) VCF-style: chr16-2106744-A-G.
Other names: c.748A>G, p.Lys250Glu (NM_001077183.3, NM_001114382.3, NM_001363528.2 and 3 more transcripts); c.637A>G, p.Lys213Glu (NM_001318827.2); c.601A>G, p.Lys201Glu (NM_001318829.2); c.148A>G, p.Lys50Glu (NM_001318831.2); c.781A>G, p.Lys261Glu (NM_001318832.2); short protein forms K201E, K50E, K213E, K250E, K261E.
Identifiers: ClinVar variation 855925 (VCV000855925.15), dbSNP rs2085894886, ClinGen allele CA16622076.
Genomic context (GRCh38, chr16:2,056,743, plus strand): 5'-TGCCTGCCGGCTGAGAGCCTCCCGCTGTTCATCGTTACCCTCTGTCGCACCATCAACGTC[A>G]AGGAGCTCTGCGAGCCTTGCTGGAAGGTGGGGTTTCTGAAACTGCTCTGGAAGGTTCCTG-3'
Protein context (NP_000539.2, residues 240-260): IVTLCRTINV[Lys250Glu]ELCEPCWKLM

ClinVar aggregate classification (germline): Uncertain significance. Review status: criteria provided, multiple submitters, no conflicts (2 of 4 stars). 6 submissions from 6 submitters: Uncertain significance (6). Last evaluated 2025-05-27.

Conditions:
Isolated focal cortical dysplasia type II (FCORD2). Also called: Focal cortical dysplasia type II; CORTICAL DYSPLASIA OF TAYLOR. Identifiers: Orphanet 268994, MedGen C1846385, MONDO:0011818, OMIM 607341, HP:0032051.
Hereditary cancer-predisposing syndrome. Also called: Hereditary neoplastic syndrome; Tumor predisposition; Neoplastic Syndromes, Hereditary; Hereditary Cancer Syndrome. Identifiers: Orphanet 140162, MedGen C0027672, MeSH D009386, MONDO:0015356.
Lymphangiomyomatosis (LAM). Also called: Lymphangioleiomyomatosis; Lymphangioleiomyomatosis, somatic. Identifiers: Orphanet 538, MedGen C0751674, MONDO:0011705, OMIM 606690.
Tuberous sclerosis 2 (TSC2). Identifiers: Orphanet 805, MedGen C1860707, MONDO:0013199, OMIM 613254.

Allele frequency attached by ClinVar (database versions not stated): gnomAD exomes below 0.00001; TOPMed 0.00001.
gnomAD v4.1: 1 of 1,611,238 alleles (0.000062%); highest among the groups gnomAD compares: Admixed American, 0.0017%; no homozygotes.

Submissions (6):

Labcorp Genetics (formerly Invitae), Labcorp
Classification: Uncertain significance for Tuberous sclerosis 2. Last evaluated: 2025-05-27. Review status: criteria provided, single submitter. Criteria: Invitae Variant Classification Sherloc (09022015). Collection method: clinical testing. Allele origin: germline.
Comment: This sequence change replaces lysine, which is basic and polar, with glutamic acid, which is acidic and polar, at codon 250 of the TSC2 protein (p.Lys250Glu). This variant is not present in population databases (gnomAD no frequency). This variant has not been reported in the literature in individuals affected with TSC2-related conditions. ClinVar contains an entry for this variant (Variation ID: 855925). Invitae Evidence Modeling of protein sequence and biophysical properties (such as structural, functional, and spatial information, amino acid conservation, physicochemical variation, residue mobility, and thermodynamic stability) indicates that this missense variant is not expected to disrupt TSC2 protein function with a negative predictive value of 95%. In summary, the available evidence is currently insufficient to determine the role of this variant in disease. Therefore, it has been classified as a Variant of Uncertain Significance.

GeneDx
Classification: Uncertain significance. Last evaluated: 2025-02-04. Review status: criteria provided, single submitter. Criteria: GeneDx Variant Classification Process June 2021. Collection method: clinical testing. Allele origin: germline. Affected: yes.
Comment: Not observed at significant frequency in large population cohorts (gnomAD); In silico analysis indicates that this missense variant does not alter protein structure/function; Has not been previously published as pathogenic or benign in association with a TSC2-related disorder to our knowledge; This variant is associated with the following publications: (PMID: 18466115, 38633426)

Ambry Genetics
Classification: Uncertain significance for Hereditary cancer-predisposing syndrome. Last evaluated: 2024-09-23. Review status: criteria provided, single submitter. Criteria: Ambry Variant Classification Scheme 2023. Collection method: clinical testing. Allele origin: germline.
Comment: The p.K250E variant (also known as c.748A>G), located in coding exon 7 of the TSC2 gene, results from an A to G substitution at nucleotide position 748. The lysine at codon 250 is replaced by glutamic acid, an amino acid with similar properties. This amino acid position is highly conserved in available vertebrate species. In addition, this alteration is predicted to be deleterious by in silico analysis. Based on the available evidence, the clinical significance of this variant remains unclear.

Fulgent Genetics
Classification: Uncertain significance for Lymphangiomyomatosis; Isolated focal cortical dysplasia type II; Tuberous sclerosis 2. Last evaluated: 2024-04-24. Review status: criteria provided, single submitter. Criteria: ACMG Guidelines, 2015. Collection method: clinical testing. Allele origin: germline.

Baylor Genetics
Classification: Uncertain significance for Isolated focal cortical dysplasia type II. Last evaluated: 2022-09-06. Review status: criteria provided, single submitter. Criteria: ACMG Guidelines, 2015. Collection method: clinical testing. Allele origin: unknown.

Sema4
Classification: Uncertain significance for Hereditary cancer-predisposing syndrome. Last evaluated: 2022-01-12. Review status: criteria provided, single submitter. Criteria: Sema4 Curation Guidelines. Collection method: curation. Allele origin: germline.
Comment: The TSC2 c.748A>G (p.K250E) variant has not been reported in the literature to our knowledge. It was not observed in the large and broad cohorts of the Genome Aggregation Database (PMID: 32461654). This variant has been reported in ClinVar (Variation ID 855925). Functional studies have not been performed, and in silico predictions of the variant's effect on protein function are inconclusive. The evidence is insufficient to meet ACMG/AMP criteria for classifying the variant as benign or pathogenic. Thus, the clinical significance of this variant is currently uncertain.